The following is an entry in ClinVar:

ClinVar aggregate classification (germline): Uncertain significance (1 of 4 stars; one submission).

Allele frequency attached by ClinVar (database versions not stated): gnomAD 0.00001; TOPMed 0.00001; gnomAD exomes 0.00002.
gnomAD v4.1: 26 of 1,613,650 alleles (0.0016%); highest among the groups gnomAD compares: Non-Finnish European, 0.0022%; no homozygotes.

Submission:

Labcorp Genetics (formerly Invitae), Labcorp
Classification: Uncertain significance. Last evaluated: 2024-10-30. Review status: criteria provided, single submitter. Criteria: Invitae Variant Classification Sherloc (09022015). Collection method: clinical testing. Allele origin: germline.
Comment: This sequence change replaces leucine, which is neutral and non-polar, with phenylalanine, which is neutral and non-polar, at codon 881 of the LRP5 protein (p.Leu881Phe). This variant is present in population databases (no rsID available, gnomAD 0.01%). This variant has not been reported in the literature in individuals affected with LRP5-related conditions. ClinVar contains an entry for this variant (Variation ID: 963864). Invitae Evidence Modeling of protein sequence and biophysical properties (such as structural, functional, and spatial information, amino acid conservation, physicochemical variation, residue mobility, and thermodynamic stability) indicates that this missense variant is not expected to disrupt LRP5 protein function with a negative predictive value of 95%. In summary, the available evidence is currently insufficient to determine the role of this variant in disease. Therefore, it has been classified as a Variant of Uncertain Significance.

NM_002335.4(LRP5):c.2641C>T (p.Leu881Phe)

Gene: LRP5 (LDL receptor related protein 5; plus strand). Cytogenetic location: 11q13.2.
Variant type: single nucleotide variant.
Coding change: c.2641C>T on transcript NM_002335.4 (MANE Select); coding-DNA position 2641, C replaced by T.
Protein change: p.Leu881Phe; replaces leucine 881 with phenylalanine.
Molecular consequence: missense variant.
Genome position (GRCh38, 1-based): chr11:68,413,826, C>T. VCF-style: chr11-68413826-C-T. GRCh37 (hg19) VCF-style: chr11-68181294-C-T.
Other names: c.898C>T, p.Leu300Phe (NM_001291902.2); short protein forms L300F, L881F.
Identifiers: ClinVar variation 963864 (VCV000963864.9), dbSNP rs1269311411, ClinGen allele CA381618625.